The following is an entry in ClinVar:

NM_000572.3(IL10):c.112C>G (p.Pro38Ala)

Genes: IL10 (interleukin 10; minus strand), IL19 (interleukin 19; plus strand), LOC128462409 (CRISPRi-FlowFISH-validated IL10 regulatory element GRCh37_chr1:206945468-206946089; plus strand). Cytogenetic location: 1q32.1.
Variant type: single nucleotide variant.
Coding change: c.112C>G on transcript NM_000572.3 (MANE Select); coding-DNA position 112, C replaced by G.
Protein change: p.Pro38Ala; replaces proline 38 with alanine.
Molecular consequence: missense variant. On other transcripts: non-coding transcript variant (1), intron variant (2).
Genome position (GRCh38, 1-based): chr1:206,772,324, G>C on the plus strand (C>G on the coding strand, the complement: IL10 is on the minus strand). VCF-style: chr1-206772324-G-C. GRCh37 (hg19) VCF-style: chr1-206945669-G-C.
Other names: c.-149+1246G>C (NM_153758.5); c.-149+1494G>C (NM_001393490.1); short protein forms P38A.
Identifiers: ClinVar variation 1963390 (VCV001963390.5), dbSNP rs932830694, ClinGen allele CA36550762.

ClinVar aggregate classification (germline): Uncertain significance (1 of 4 stars; one submission).

Conditions:
Inflammatory bowel disease. Identifiers: Orphanet 104012, MedGen C0021390, MONDO:0005265.

gnomAD v4.1: 2 of 1,614,180 alleles (0.00012%); highest among the groups gnomAD compares: African/African-American, 0.0013%; no homozygotes.

Submission:

Labcorp Genetics (formerly Invitae), Labcorp
Classification: Uncertain significance for Inflammatory bowel disease. Last evaluated: 2022-05-28. Review status: criteria provided, single submitter. Criteria: Invitae Variant Classification Sherloc (09022015). Collection method: clinical testing. Allele origin: germline.
Comment: This sequence change replaces proline, which is neutral and non-polar, with alanine, which is neutral and non-polar, at codon 38 of the IL10 protein (p.Pro38Ala). This variant is not present in population databases (gnomAD no frequency). This variant has not been reported in the literature in individuals affected with IL10-related conditions. Algorithms developed to predict the effect of missense changes on protein structure and function are either unavailable or do not agree on the potential impact of this missense change (SIFT: "Deleterious"; PolyPhen-2: "Possibly Damaging"; Align-GVGD: "Class C0"). In summary, the available evidence is currently insufficient to determine the role of this variant in disease. Therefore, it has been classified as a Variant of Uncertain Significance.